The following is an entry in ClinVar:

NM_033056.4(PCDH15):c.4788T>G (p.Asp1596Glu)

Gene: PCDH15 (protocadherin related 15; minus strand). Cytogenetic location: 10q21.1.
Variant type: single nucleotide variant.
Coding change: c.4788T>G on transcript NM_033056.4 (MANE Plus Clinical); coding-DNA position 4788, T replaced by G.
Protein change: p.Asp1596Glu; replaces aspartic acid 1596 with glutamic acid.
Molecular consequence: missense variant. On other transcripts: intron variant (8).
Genome position (GRCh38, 1-based): chr10:53,822,938, A>C on the plus strand (T>G on the coding strand, the complement: PCDH15 is on the minus strand). VCF-style: chr10-53822938-A-C. GRCh37 (hg19) VCF-style: chr10-55582698-A-C.
Other names: c.4809T>G, p.Asp1603Glu (NM_001142763.2); c.4794T>G, p.Asp1598Glu (NM_001142764.2); c.4581T>G, p.Asp1527Glu (NM_001142765.2); c.4779T>G, p.Asp1593Glu (NM_001142766.2); c.4668T>G, p.Asp1556Glu (NM_001142767.2); c.4728T>G, p.Asp1576Glu (NM_001142768.2); c.4719T>G, p.Asp1573Glu (NM_001142773.2); c.4722T>G, p.Asp1574Glu (NM_001354404.2); and 6 more; short protein forms D1596E, D1527E, D1576E, D1598E, D1603E, D1556E, D1573E, D1574E.
Identifiers: ClinVar variation 517273 (VCV000517273.16), dbSNP rs200659780, ClinGen allele CA5505189.

ClinVar aggregate classification (germline): Conflicting classifications of pathogenicity. Review status: criteria provided, conflicting classifications (1 of 4 stars). 4 submissions from 4 submitters: Uncertain significance (2); Likely benign (2). Last evaluated 2026-01-26.

Conditions:
Inborn genetic diseases. Identifiers: MedGen C0950123, MeSH D030342.

Allele frequency attached by ClinVar (database versions not stated): ESP Exome Variant Server 0.00008; TOPMed 0.00018; 1000 Genomes Project 0.00020; gnomAD exomes 0.00001; 1000 Genomes Project 30x 0.00016; ExAC 0.00002; gnomAD 0.00013.
gnomAD v4.1: 36 of 1,614,018 alleles (0.0022%); highest among the groups gnomAD compares: African/African-American, 0.04%; no homozygotes.

Submissions (4):

GeneDx
Classification: Uncertain significance. Last evaluated: 2026-01-26. Review status: criteria provided, single submitter. Criteria: GeneDx Variant Classification Process June 2021. Collection method: clinical testing. Allele origin: germline. Affected: yes.
Comment: In silico analysis supports that this missense variant does not alter protein structure/function; Has not been previously published as pathogenic or benign to our knowledge

Labcorp Genetics (formerly Invitae), Labcorp
Classification: Likely benign. Last evaluated: 2025-12-22. Review status: criteria provided, single submitter. Criteria: Invitae Variant Classification Sherloc (09022015). Collection method: clinical testing. Allele origin: germline.

Ambry Genetics
Classification: Uncertain significance for Inborn genetic diseases. Last evaluated: 2024-07-02. Review status: criteria provided, single submitter. Criteria: Ambry Variant Classification Scheme 2023. Collection method: clinical testing. Allele origin: germline.

Laboratory for Molecular Medicine, Mass General Brigham Personalized Medicine
Classification: Likely benign. Last evaluated: 2017-03-07. Review status: criteria provided, single submitter. Criteria: LMM Criteria. Collection method: clinical testing. Allele origin: germline. Observed: 1 variant allele.
Comment: p.Asp1596Glu in exon 33 of PCDH15: This variant is not expected to have clinical significance due to a lack of conservation across species, including mammals. O f note, 7 mammals (pika, dog, ferret, panda, Pacific walrus, Weddell seal, eleph ant) have a glutamic acid (Glu) at this position despite high nearby amino acid conservation. This variant has also been identified in 2/10406 African chromoso mes by the Exome Aggregation Consortium (ExAC; d bSNP rs200659780).